The following is an entry in ClinVar:

ClinVar aggregate classification (germline): Uncertain significance (1 of 4 stars; one submission).

Allele frequency attached by ClinVar (database versions not stated): gnomAD exomes below 0.00001; TOPMed below 0.00001; gnomAD 0.00001.
gnomAD v4.1: 2 of 1,613,890 alleles (0.00012%); highest among the groups gnomAD compares: Non-Finnish European, 0.00017%; no homozygotes.

Submission:

Labcorp Genetics (formerly Invitae), Labcorp
Classification: Uncertain significance. Last evaluated: 2025-01-06. Review status: criteria provided, single submitter. Criteria: Invitae Variant Classification Sherloc (09022015). Collection method: clinical testing. Allele origin: germline.
Comment: This sequence change replaces arginine, which is basic and polar, with cysteine, which is neutral and slightly polar, at codon 632 of the KDM1A protein (p.Arg632Cys). This variant is not present in population databases (gnomAD no frequency). This variant has not been reported in the literature in individuals affected with KDM1A-related conditions. ClinVar contains an entry for this variant (Variation ID: 2749085). Invitae Evidence Modeling of protein sequence and biophysical properties (such as structural, functional, and spatial information, amino acid conservation, physicochemical variation, residue mobility, and thermodynamic stability) indicates that this missense variant is not expected to disrupt KDM1A protein function with a negative predictive value of 80%. In summary, the available evidence is currently insufficient to determine the role of this variant in disease. Therefore, it has been classified as a Variant of Uncertain Significance.

NM_001009999.3(KDM1A):c.1894C>T (p.Arg632Cys)

Gene: KDM1A (lysine demethylase 1A; plus strand). Cytogenetic location: 1p36.12.
Variant type: single nucleotide variant.
Coding change: c.1894C>T on transcript NM_001009999.3 (MANE Select); coding-DNA position 1894, C replaced by T.
Protein change: p.Arg632Cys; replaces arginine 632 with cysteine.
Molecular consequence: missense variant.
Genome position (GRCh38, 1-based): chr1:23,079,016, C>T. VCF-style: chr1-23079016-C-T. GRCh37 (hg19) VCF-style: chr1-23405509-C-T.
Other names: c.1840C>T, p.Arg614Cys (NM_001363654.2); c.1900C>T, p.Arg634Cys (NM_001410762.1); c.1822C>T, p.Arg608Cys (NM_001410763.1, NM_015013.4); short protein forms R608C, R614C, R632C, R634C.
Identifiers: ClinVar variation 2749085 (VCV002749085.3), dbSNP rs1368056777, ClinGen allele CA338970881.
Genomic context (GRCh38, chr1:23,079,016, plus strand): 5'-TCACCACTAGTCTTTTCCCACCCAACCTCTGCAGGATGTGAAGTGATAGCTGTGAATACC[C>T]GCTCCACGAGTCAAACCTTTATTTATAAATGCGACGCAGTTCTCTGTACCCTTCCCCTGG-3'
Protein context (NP_001009999.1, residues 622-642): SGCEVIAVNT[Arg632Cys]STSQTFIYKC